The following is an entry in ClinVar:

NM_015338.6(ASXL1):c.1786C>G (p.Arg596Gly)

Gene: ASXL1 (ASXL transcriptional regulator 1; plus strand). Cytogenetic location: 20q11.21.
Variant type: single nucleotide variant.
Coding change: c.1786C>G on transcript NM_015338.6 (MANE Select); coding-DNA position 1786, C replaced by G.
Protein change: p.Arg596Gly; replaces arginine 596 with glycine.
Molecular consequence: missense variant.
Genome position (GRCh38, 1-based): chr20:32,434,498, C>G. VCF-style: chr20-32434498-C-G. GRCh37 (hg19) VCF-style: chr20-31022301-C-G.
Other names: c.1603C>G, p.Arg535Gly (NM_001363734.1); short protein forms R596G, R535G.
Identifiers: ClinVar variation 3793519 (VCV003793519.1).

ClinVar aggregate classification (germline): Uncertain significance (1 of 4 stars; one submission).

Conditions:
Inborn genetic diseases. Identifiers: MedGen C0950123, MeSH D030342.

Submission:

Ambry Genetics
Classification: Uncertain significance for Inborn genetic diseases. Last evaluated: 2025-02-14. Review status: criteria provided, single submitter. Criteria: Ambry Variant Classification Scheme 2023. Collection method: clinical testing. Allele origin: germline.
Comment: The p.R596G variant (also known as c.1786C>G), located in coding exon 13 of the ASXL1 gene, results from a C to G substitution at nucleotide position 1786. The arginine at codon 596 is replaced by glycine, an amino acid with dissimilar properties. This amino acid position is conserved. In addition, this alteration is predicted to be deleterious by in silico analysis. Based on the available evidence, the clinical significance of this variant remains unclear.